The following is an entry in ClinVar:

NM_001083619.3(GRIA2):c.239A>T (p.Gln80Leu)

Gene: GRIA2 (glutamate ionotropic receptor AMPA type subunit 2; plus strand). Cytogenetic location: 4q32.1.
Variant type: single nucleotide variant.
Coding change: c.239A>T on transcript NM_001083619.3 (MANE Select); coding-DNA position 239, A replaced by T.
Protein change: p.Gln80Leu; replaces glutamine 80 with leucine.
Molecular consequence: missense variant.
Genome position (GRCh38, 1-based): chr4:157,303,561, A>T. VCF-style: chr4-157303561-A-T. GRCh37 (hg19) VCF-style: chr4-158224713-A-T.
Other names: c.239A>T, p.Gln80Leu (NM_000826.6); c.98A>T, p.Gln33Leu (NM_001083620.3, NM_001379000.3, NM_001379001.3); short protein forms Q33L, Q80L.
Identifiers: ClinVar variation 3360205 (VCV003360205.1).

ClinVar aggregate classification (germline): Uncertain significance (1 of 4 stars; one submission).

Submission:

GeneDx
Classification: Uncertain significance. Last evaluated: 2023-06-23. Review status: criteria provided, single submitter. Criteria: GeneDx Variant Classification Process June 2021. Collection method: clinical testing. Allele origin: germline. Affected: yes.
Comment: Not observed at significant frequency in large population cohorts (gnomAD); In silico analysis supports that this missense variant has a deleterious effect on protein structure/function; Has not been previously published as pathogenic or benign to our knowledge